The following is an entry in ClinVar:

ClinVar aggregate classification (germline): Uncertain significance. Review status: criteria provided, multiple submitters, no conflicts (2 of 4 stars). 3 submissions from 3 submitters: Uncertain significance (3). Last evaluated 2025-09-25.

Conditions:
Surfactant metabolism dysfunction, pulmonary, 1. Also called: INTERSTITIAL LUNG DISEASE DUE TO SURFACTANT PROTEIN B DEFICIENCY; INTERSTITIAL LUNG DISEASE, NONSPECIFIC, DUE TO SURFACTANT PROTEIN B DEFICIENCY; PULMONARY ALVEOLAR PROTEINOSIS, CONGENITAL, 1; Pulmonary surfactant protein B, deficiency of; Neonatal acute respiratory distress due to SP-B deficiency. Identifiers: Orphanet 217563, MedGen C1968602, MONDO:0009929, OMIM 265120.
Hereditary pulmonary alveolar proteinosis. Also called: Pulmonary surfactant metabolism dysfunction. Identifiers: Orphanet 264675, MedGen C3711368, MONDO:0012580.

Allele frequency attached by ClinVar (database versions not stated): TOPMed 0.00009; gnomAD 0.00013; ESP Exome Variant Server 0.00015; gnomAD exomes 0.00018; ExAC 0.00028.
gnomAD v4.1: 290 of 1,612,596 alleles (0.018%); highest among the groups gnomAD compares: Middle Eastern, 0.12%; 3 homozygotes.

Submissions (3):

Ambry Genetics
Classification: Uncertain significance for Hereditary pulmonary alveolar proteinosis. Last evaluated: 2025-09-25. Review status: criteria provided, single submitter. Criteria: Ambry Variant Classification Scheme 2023. Collection method: clinical testing. Allele origin: germline.

Labcorp Genetics (formerly Invitae), Labcorp
Classification: Uncertain significance. Last evaluated: 2023-10-28. Review status: criteria provided, single submitter. Criteria: Invitae Variant Classification Sherloc (09022015). Collection method: clinical testing. Allele origin: germline.
Comment: This sequence change replaces arginine, which is basic and polar, with glutamine, which is neutral and polar, at codon 288 of the SFTPB protein (p.Arg288Gln). This variant is present in population databases (rs201996765, gnomAD 0.05%), including at least one homozygous and/or hemizygous individual. This variant has not been reported in the literature in individuals affected with SFTPB-related conditions. ClinVar contains an entry for this variant (Variation ID: 898228). Advanced modeling of protein sequence and biophysical properties (such as structural, functional, and spatial information, amino acid conservation, physicochemical variation, residue mobility, and thermodynamic stability) performed at Invitae indicates that this missense variant is expected to disrupt SFTPB protein function with a positive predictive value of 80%. In summary, the available evidence is currently insufficient to determine the role of this variant in disease. Therefore, it has been classified as a Variant of Uncertain Significance.

Illumina Laboratory Services, Illumina
Classification: Uncertain significance for Surfactant metabolism dysfunction, pulmonary, 1. Last evaluated: 2017-04-27. Review status: criteria provided, single submitter. Criteria: ICSL Variant Classification Criteria 13 December 2019. Collection method: clinical testing. Allele origin: germline.

NM_000542.5(SFTPB):c.827G>A (p.Arg276Gln)

Gene: SFTPB (surfactant protein B; minus strand). Cytogenetic location: 2p11.2.
Variant type: single nucleotide variant.
Coding change: c.827G>A on transcript NM_000542.5 (MANE Select); coding-DNA position 827, G replaced by A.
Protein change: p.Arg276Gln; replaces arginine 276 with glutamine.
Molecular consequence: missense variant.
Genome position (GRCh38, 1-based): chr2:85,663,693, C>T on the plus strand (G>A on the coding strand, the complement: SFTPB is on the minus strand). VCF-style: chr2-85663693-C-T. GRCh37 (hg19) VCF-style: chr2-85890816-C-T.
Other names: c.827G>A, p.Arg276Gln (NM_198843.4, NM_001367281.2); short protein forms R276Q.
Identifiers: ClinVar variation 898228 (VCV000898228.10), dbSNP rs201996765, ClinGen allele CA1743919.